The following is an entry in ClinVar:

ClinVar aggregate classification (germline): Benign/Likely benign. Review status: criteria provided, multiple submitters, no conflicts (2 of 4 stars). 7 submissions from 7 submitters: Benign (1); Likely benign (4). 2 of the submissions do not count toward it. Last evaluated 2025-12-17.

Conditions:
BRIP1-related disorder. Also called: BRIP1-related condition; BRIP1-related disorders. Identifiers: MedGen CN239206.
Hereditary cancer-predisposing syndrome. Also called: Tumor predisposition; Hereditary Cancer Syndrome; Hereditary neoplastic syndrome; Neoplastic Syndromes, Hereditary. Identifiers: Orphanet 140162, MedGen C0027672, MeSH D009386, MONDO:0015356.
Fanconi anemia complementation group J. Also called: BRIP1-Related Fanconi Anemia. Identifiers: Orphanet 84, MedGen C1836860, MONDO:0012187, OMIM 609054.
Familial cancer of breast. Also called: hereditary breast carcinoma; BREAST CANCER, FAMILIAL; Hereditary breast cancer. Identifiers: Orphanet 227535, MedGen C0346153, MONDO:0016419, OMIM 114480. Disease mechanism: loss of function.

gnomAD v4.1: 2 of 1,613,264 alleles (0.00012%); highest among the groups gnomAD compares: East Asian, 0.0022%; no homozygotes.

Submissions (7):

Labcorp Genetics (formerly Invitae), Labcorp
Classification: Likely benign for Familial cancer of breast; Fanconi anemia complementation group J. Last evaluated: 2025-12-17. Review status: criteria provided, single submitter. Criteria: Invitae Variant Classification Sherloc (09022015). Collection method: clinical testing. Allele origin: germline.

Myriad Genetics, Inc.
Classification: Benign for Familial cancer of breast. Last evaluated: 2024-08-21. Review status: criteria provided, single submitter. Criteria: Myriad Autosomal Dominant, Autosomal Recessive and X-Linked Classification Criteria (2023). Collection method: clinical testing. Allele origin: unknown.
Comment: This variant is considered benign. This variant is a silent/synonymous amino acid change and it is not expected to impact splicing.

Color Diagnostics, LLC DBA Color Health
Classification: Likely benign for Hereditary cancer-predisposing syndrome. Last evaluated: 2017-01-10. Review status: criteria provided, single submitter. Criteria: ACMG Guidelines, 2015. Collection method: clinical testing. Allele origin: germline.

GeneDx
Classification: Likely benign. Last evaluated: 2016-06-29. Review status: criteria provided, single submitter. Criteria: GeneDx Variant Classification (06012015). Collection method: clinical testing. Allele origin: germline. Affected: yes.
Comment: This variant is considered likely benign or benign based on one or more of the following criteria: it is a conservative change, it occurs at a poorly conserved position in the protein, it is predicted to be benign by multiple in silico algorithms, and/or has population frequency not consistent with disease.

Ambry Genetics
Classification: Likely benign for Hereditary cancer-predisposing syndrome. Last evaluated: 2015-09-29. Review status: criteria provided, single submitter. Criteria: Ambry Variant Classification Scheme 2023. Collection method: clinical testing. Allele origin: germline.

PreventionGenetics, part of Exact Sciences
Classification: Likely benign for BRIP1-related condition. Last evaluated: 2023-03-10. Review status: no assertion criteria provided. Collection method: clinical testing. Allele origin: germline. Not counted in ClinVar's aggregate classification.
Comment: This variant is classified as likely benign based on ACMG/AMP sequence variant interpretation guidelines (Richards et al. 2015 PMID: 25741868, with internal and published modifications).

Leiden Open Variation Database
Classification: Benign. Last evaluated: 2019-08-13. Review status: no assertion criteria provided. Collection method: curation. Allele origin: germline. Affected: yes. Not counted in ClinVar's aggregate classification.
Comment: Curator: Arleen D. Auerbach. Submitter to LOVD: Yukihide Momozawa.

Literature cited by the submitters: PubMed 31214711 (cited by Leiden Open Variation Database).

NM_032043.3(BRIP1):c.408A>G (p.Ala136=)

Gene: BRIP1 (BRCA1 interacting DNA helicase 1; minus strand). Cytogenetic location: 17q23.2.
Variant type: single nucleotide variant.
Coding change: c.408A>G on transcript NM_032043.3 (MANE Select); coding-DNA position 408, A replaced by G.
Protein change: p.Ala136=; no amino-acid change (alanine 136 retained).
Molecular consequence: synonymous variant.
Genome position (GRCh38, 1-based): chr17:61,849,228, T>C on the plus strand (A>G on the coding strand, the complement: BRIP1 is on the minus strand). VCF-style: chr17-61849228-T-C. GRCh37 (hg19) VCF-style: chr17-59926589-T-C.
Identifiers: ClinVar variation 234159 (VCV000234159.24), dbSNP rs876660891, ClinGen allele CA10580878.